The following is an entry in ClinVar:

ClinVar aggregate classification (germline): Uncertain significance (1 of 4 stars; one submission).

Allele frequency attached by ClinVar (database versions not stated): TOPMed below 0.00001.

Submission:

GeneDx
Classification: Uncertain significance. Last evaluated: 2025-11-04. Review status: criteria provided, single submitter. Criteria: GeneDx Variant Classification Process June 2021. Collection method: clinical testing. Allele origin: germline. Affected: yes.
Comment: Not observed at significant frequency in large population cohorts (gnomAD); In silico analysis supports that this missense variant has a deleterious effect on protein structure/function; Has not been previously published as pathogenic or benign to our knowledge

NM_001170629.2(CHD8):c.721C>T (p.Pro241Ser)

Gene: CHD8 (chromodomain helicase DNA binding protein 8; minus strand). Cytogenetic location: 14q11.2.
Variant type: single nucleotide variant.
Coding change: c.721C>T on transcript NM_001170629.2 (MANE Select); coding-DNA position 721, C replaced by T.
Protein change: p.Pro241Ser; replaces proline 241 with serine.
Molecular consequence: missense variant. On other transcripts: intron variant (1).
Genome position (GRCh38, 1-based): chr14:21,430,923, G>A on the plus strand (C>T on the coding strand, the complement: CHD8 is on the minus strand). VCF-style: chr14-21430923-G-A. GRCh37 (hg19) VCF-style: chr14-21899082-G-A.
Other names: c.6+888C>T (NM_020920.4); short protein forms P241S.
Identifiers: ClinVar variation 1695469 (VCV001695469.3), dbSNP rs1249562130, ClinGen allele CA388886489.
Genomic context (GRCh38, chr14:21,430,923, plus strand): 5'-TTCCAGCAGGAGCTGAACCCTTAACTGGCTGGAGGACCAGCTGCTTTACTGGTCGGCTGG[G>A]CTGGACAATGCGCTGAACAGCAGCCTGGTTCCCAGGGACCTTGGCGGCCAACACTGTATT-3'
Protein context (NP_001164100.1, residues 231-251): NQAAVQRIVQ[Pro241Ser]SRPVKQLVLQ